The following is an entry in ClinVar:

ClinVar aggregate classification (germline): Likely pathogenic. Review status: criteria provided, single submitter (1 of 4 stars). 3 submissions from 3 submitters: Likely pathogenic (1). 2 of the submissions do not count toward it. Last evaluated 2022-07-22.

Conditions:
Mesoaxial synostotic syndactyly with phalangeal reduction. Identifiers: Orphanet 157801, MedGen C1836206, MONDO:0012271, OMIM 609432.

Allele frequency attached by ClinVar (database versions not stated): TOPMed 0.00001; gnomAD 0.00001.

Submissions (3):

MGZ Medical Genetics Center
Classification: Likely pathogenic for Mesoaxial synostotic syndactyly with phalangeal reduction. Last evaluated: 2022-07-22. Review status: criteria provided, single submitter. Criteria: ACMG Guidelines, 2015. Collection method: clinical testing. Allele origin: germline. Affected: yes. Observed: 1 variant allele.
Comment: ACMG criteria applied: PM1, PM3, PM2_SUP, PP1, PP3

OMIM
Classification: Pathogenic for SYNDACTYLY, MESOAXIAL SYNOSTOTIC, WITH PHALANGEAL REDUCTION. Last evaluated: 2014-12-04. Review status: no assertion criteria provided. Collection method: literature only. Allele origin: germline. Not counted in ClinVar's aggregate classification.

Human Genetics, Philipps Universitaet Marburg
Classification: Pathogenic for Syndactyly type 9. Last evaluated: 2014-10-16. Review status: no assertion criteria provided. Collection method: research. Allele origin: inherited. Affected: yes. Not counted in ClinVar's aggregate classification.
Comment: Detection and analysis of mutations in BHLHA9 associated with MSSD

Literature cited by the submitters: PubMed 9783716 (cited by OMIM); PubMed 25466284 (cited by OMIM and Human Genetics, Philipps Universitaet Marburg).

NM_001164405.2(BHLHA9):c.218G>C (p.Arg73Pro)

Gene: BHLHA9 (basic helix-loop-helix family member a9; plus strand). Cytogenetic location: 17p13.3.
Variant type: single nucleotide variant.
Coding change: c.218G>C on transcript NM_001164405.2 (MANE Select); coding-DNA position 218, G replaced by C.
Protein change: p.Arg73Pro; replaces arginine 73 with proline.
Molecular consequence: missense variant.
Genome position (GRCh38, 1-based): chr17:1,270,781, G>C. VCF-style: chr17-1270781-G-C. GRCh37 (hg19) VCF-style: chr17-1174075-G-C.
Other names: short protein forms R73P.
Identifiers: ClinVar variation 162066 (VCV000162066.4), dbSNP rs672601338, ClinGen allele CA211912.